The following is an entry in ClinVar:

NM_000051.4(ATM):c.5385G>A (p.Trp1795Ter)

Gene: ATM (ATM serine/threonine kinase; plus strand). Cytogenetic location: 11q22.3.
Variant type: single nucleotide variant.
Coding change: c.5385G>A on transcript NM_000051.4 (MANE Select); coding-DNA position 5385, G replaced by A.
Protein change: p.Trp1795Ter; replaces tryptophan 1795 with a stop codon.
Molecular consequence: nonsense.
Genome position (GRCh38, 1-based): chr11:108,302,918, G>A. VCF-style: chr11-108302918-G-A. GRCh37 (hg19) VCF-style: chr11-108173645-G-A.
Other names: c.5385G>A, p.Trp1795Ter (NM_001351834.2); short protein forms W1795*.
Identifiers: ClinVar variation 2755867 (VCV002755867.3), dbSNP rs2135928495, ClinGen allele CA382543579.

ClinVar aggregate classification (germline): Pathogenic (1 of 4 stars; one submission).

Conditions:
Ataxia-telangiectasia syndrome (AT). Also called: LOUIS-BAR SYNDROME; AT, COMPLEMENTATION GROUP C; ATAXIA-TELANGIECTASIA, COMPLEMENTATION GROUP A; ATAXIA-TELANGIECTASIA, FRESNO VARIANT; Ataxia-telangiectasia; Cerebello-oculocutaneous telangiectasia. Identifiers: Orphanet 100, MedGen C0004135, MONDO:0008840, OMIM 208900.

Submission:

Labcorp Genetics (formerly Invitae), Labcorp
Classification: Pathogenic for Ataxia-telangiectasia syndrome. Last evaluated: 2024-02-10. Review status: criteria provided, single submitter. Criteria: Invitae Variant Classification Sherloc (09022015). Collection method: clinical testing. Allele origin: germline.
Comment: This sequence change creates a premature translational stop signal (p.Trp1795*) in the ATM gene. It is expected to result in an absent or disrupted protein product. Loss-of-function variants in ATM are known to be pathogenic (PMID: 23807571, 25614872). This variant is not present in population databases (gnomAD no frequency). This premature translational stop signal has been observed in individual(s) with breast cancer (PMID: 28724667). For these reasons, this variant has been classified as Pathogenic.

Literature cited by the submitters: PubMed 23807571; PubMed 25614872; PubMed 28724667.